The following is an entry in ClinVar:

ClinVar aggregate classification (germline): Benign/Likely benign. Review status: criteria provided, multiple submitters, no conflicts (2 of 4 stars). 5 submissions from 5 submitters: Benign (1); Likely benign (4). Last evaluated 2025-05-07.

Conditions:
Hereditary cancer-predisposing syndrome. Also called: Hereditary Cancer Syndrome; Neoplastic Syndromes, Hereditary; Tumor predisposition; Hereditary neoplastic syndrome. Identifiers: Orphanet 140162, MedGen C0027672, MeSH D009386, MONDO:0015356.
Fanconi anemia complementation group O. Also called: RAD51C-Related Fanconi Anemia. Identifiers: Orphanet 84, MedGen C3150653, MONDO:0013248, OMIM 613390.
Breast-ovarian cancer, familial, susceptibility to, 3. Also called: RAD51C-Related Breast/Ovarian Cancer. Identifiers: Orphanet 145, MedGen C3150659, MONDO:0013253, OMIM 613399.

Allele frequency attached by ClinVar (database versions not stated): ExAC 0.00001; gnomAD 0.00001; TOPMed 0.00001.
gnomAD v4.1: 4 of 1,610,154 alleles (0.00025%); highest among the groups gnomAD compares: East Asian, 0.0067%; no homozygotes.

Submissions (5):

Labcorp Genetics (formerly Invitae), Labcorp
Classification: Likely benign for Fanconi anemia complementation group O. Last evaluated: 2025-05-07. Review status: criteria provided, single submitter. Criteria: Invitae Variant Classification Sherloc (09022015). Collection method: clinical testing. Allele origin: germline.

Myriad Genetics, Inc.
Classification: Benign for Breast-ovarian cancer, familial, susceptibility to, 3. Last evaluated: 2025-02-19. Review status: criteria provided, single submitter. Criteria: Myriad Autosomal Dominant, Autosomal Recessive and X-Linked Classification Criteria (2023). Collection method: clinical testing. Allele origin: unknown.
Comment: This variant is considered benign. This variant is a silent/synonymous amino acid change and it is not expected to impact splicing.

Sema4
Classification: Likely benign for Hereditary cancer-predisposing syndrome. Last evaluated: 2021-06-12. Review status: criteria provided, single submitter. Criteria: Sema4 Curation Guidelines. Collection method: curation. Allele origin: germline.

GeneDx
Classification: Likely benign. Last evaluated: 2016-10-31. Review status: criteria provided, single submitter. Criteria: GeneDx Variant Classification (06012015). Collection method: clinical testing. Allele origin: germline. Affected: yes.
Comment: This variant is considered likely benign or benign based on one or more of the following criteria: it is a conservative change, it occurs at a poorly conserved position in the protein, it is predicted to be benign by multiple in silico algorithms, and/or has population frequency not consistent with disease.

Ambry Genetics
Classification: Likely benign for Hereditary cancer-predisposing syndrome. Last evaluated: 2015-05-31. Review status: criteria provided, single submitter. Criteria: Ambry Variant Classification Scheme 2023. Collection method: clinical testing. Allele origin: germline.

NM_058216.3(RAD51C):c.840A>G (p.Val280=)

Gene: RAD51C (RAD51 paralog C; plus strand). Cytogenetic location: 17q22.
Variant type: single nucleotide variant.
Coding change: c.840A>G on transcript NM_058216.3 (MANE Select); coding-DNA position 840, A replaced by G.
Protein change: p.Val280=; no amino-acid change (valine 280 retained).
Molecular consequence: synonymous variant. On other transcripts: non-coding transcript variant (1).
Genome position (GRCh38, 1-based): chr17:58,720,748, A>G. VCF-style: chr17-58720748-A-G. GRCh37 (hg19) VCF-style: chr17-56798109-A-G.
Identifiers: ClinVar variation 232115 (VCV000232115.15), dbSNP rs756503509, ClinGen allele CA8677344.
Genomic context (GRCh38, chr17:58,720,748, plus strand): 5'-GTCTACTTGATAATTTTCAAAGAGACTCACCTAATTTTCTTACATTTTGTTTTTGTAGGT[A>G]ATTTTAACCAATCAGATGACAACAAAGATTGATAGAAATCAGGCCTTGCTTGTTCCTGCA-3'
Protein context (NP_478123.1, residues 270-290): ISLANNHRLA[Val280=]ILTNQMTTKI